The following is an entry in ClinVar:

ClinVar aggregate classification (germline): Uncertain significance. Review status: criteria provided, multiple submitters, no conflicts (2 of 4 stars). 3 submissions from 3 submitters: Uncertain significance (3). Last evaluated 2024-04-23.

Conditions:
FRAS1-related disorder. Also called: FRAS1-related condition.
Inborn genetic diseases. Identifiers: MedGen C0950123, MeSH D030342.
Fraser syndrome 1 (FRASRS1). Also called: CRYPTOPHTHALMOS WITH OTHER MALFORMATIONS. Identifiers: Orphanet 2052, MedGen C4551480, MONDO:0054737, OMIM 219000.

Allele frequency attached by ClinVar (database versions not stated): ExAC 0.00001; gnomAD exomes 0.00001; gnomAD 0.00003; TOPMed 0.00003.
gnomAD v4.1: 25 of 1,613,658 alleles (0.0015%); highest among the groups gnomAD compares: East Asian, 0.053%; no homozygotes.

Submissions (3):

Ambry Genetics
Classification: Uncertain significance for Inborn genetic diseases. Last evaluated: 2024-04-23. Review status: criteria provided, single submitter. Criteria: Ambry Variant Classification Scheme 2023. Collection method: clinical testing. Allele origin: germline.

Fulgent Genetics
Classification: Uncertain significance for Fraser syndrome 1. Last evaluated: 2024-02-06. Review status: criteria provided, single submitter. Criteria: ACMG Guidelines, 2015. Collection method: clinical testing. Allele origin: germline.

PreventionGenetics, part of Exact Sciences
Classification: Uncertain significance for FRAS1-related condition. Last evaluated: 2022-12-05. Review status: criteria provided, single submitter. Criteria: ACMG Guidelines, 2015. Collection method: clinical testing. Allele origin: germline.
Comment: The FRAS1 c.2339A>C variant is predicted to result in the amino acid substitution p.Tyr780Ser. To our knowledge, this variant has not been reported in the literature. This variant is reported in 0.056% of alleles in individuals of East Asian descent in gnomAD. Although we suspect that this variant may be benign, at this time, the clinical significance of this variant is uncertain due to the absence of conclusive functional and genetic evidence.

NM_025074.7(FRAS1):c.2339A>C (p.Tyr780Ser)

Gene: FRAS1 (Fraser extracellular matrix complex subunit 1; plus strand). Cytogenetic location: 4q21.21.
Variant type: single nucleotide variant.
Coding change: c.2339A>C on transcript NM_025074.7 (MANE Select); coding-DNA position 2339, A replaced by C.
Protein change: p.Tyr780Ser; replaces tyrosine 780 with serine.
Molecular consequence: missense variant.
Genome position (GRCh38, 1-based): chr4:78,337,734, A>C. VCF-style: chr4-78337734-A-C. GRCh37 (hg19) VCF-style: chr4-79258888-A-C.
Other names: c.2339A>C, p.Tyr780Ser (NM_001166133.2); short protein forms Y780S.
Identifiers: ClinVar variation 2632130 (VCV002632130.3), dbSNP rs763371931, ClinGen allele CA2976615.